The following is an entry in ClinVar:

ClinVar aggregate classification (germline): Uncertain significance (0 of 4 stars; one submission).

Conditions:
Pseudohypoaldosteronism, type IB1, autosomal recessive. Also called: Autosomal recessive pseudohypoaldosteronism type 1; Pseudohypoaldosteronism, Type I, Autosomal Recessive; Pseudohypoaldosteronism, Type I, Recessive; PHA I, AUTOSOMAL RECESSIVE. Identifiers: Orphanet 171876, Orphanet 756, MedGen C5774176, MONDO:0009917, OMIM 264350.

Submission:

Khatam Pathobiology and Genetic Lab
Classification: Uncertain significance for Pseudohypoaldosteronism, type IB1, autosomal recessive. Review status: no assertion criteria provided. Collection method: clinical testing. Allele origin: germline. Inheritance: Autosomal recessive inheritance. Affected: yes. Observed: 1 homozygote.
Comment: The variant was absent from population databases, including a WES control database of 1,406 healthy individuals. The location of the variant in exon 10, a region critical to extracellular ENaC function, and bioinformatic predictions suggesting a deleterious effect (PolyPhen-2, SIFT, MutationTaster), support its pathogenicity.

Literature cited by the submitters: DOI 10.1515/jpem-2023-0505.

NM_001038.6(SCNN1A):c.1497G>C (p.Gln499His)

Gene: SCNN1A (sodium channel epithelial 1 subunit alpha; minus strand). Cytogenetic location: 12p13.31.
Variant type: single nucleotide variant.
Coding change: c.1497G>C on transcript NM_001038.6 (MANE Select); coding-DNA position 1497, G replaced by C.
Protein change: p.Gln499His; replaces glutamine 499 with histidine.
Molecular consequence: missense variant.
Genome position (GRCh38, 1-based): chr12:6,349,164, C>G on the plus strand (G>C on the coding strand, the complement: SCNN1A is on the minus strand). VCF-style: chr12-6349164-C-G. GRCh37 (hg19) VCF-style: chr12-6458330-C-G.
Other names: Protein change: p.Gln499His; c.1566G>C, p.Gln522His (NM_001159575.2); c.1674G>C, p.Gln558His (NM_001159576.2); short protein forms Q499H, Q522H, Q558H.
Identifiers: ClinVar variation 3899917 (VCV003899917.1).